The following is an entry in ClinVar:

ClinVar aggregate classification (germline): Uncertain significance (1 of 4 stars; one submission).

Conditions:
Hereditary spastic paraplegia 31. Also called: SPASTIC PARAPLEGIA 31, AUTOSOMAL DOMINANT. Identifiers: Orphanet 101011, MedGen C1853247, MONDO:0012453, OMIM 610250.

Submission:

Labcorp Genetics (formerly Invitae), Labcorp
Classification: Uncertain significance for Hereditary spastic paraplegia 31. Last evaluated: 2023-01-17. Review status: criteria provided, single submitter. Criteria: Invitae Variant Classification Sherloc (09022015). Collection method: clinical testing. Allele origin: germline.
Comment: In summary, the available evidence is currently insufficient to determine the role of this variant in disease. Therefore, it has been classified as a Variant of Uncertain Significance. Variants that disrupt the consensus splice site are a relatively common cause of aberrant splicing (PMID: 17576681, 9536098). Algorithms developed to predict the effect of sequence changes on RNA splicing suggest that this variant is not likely to affect RNA splicing. This variant has not been reported in the literature in individuals affected with REEP1-related conditions. This variant is not present in population databases (gnomAD no frequency). This sequence change falls in intron 3 of the REEP1 gene. It does not directly change the encoded amino acid sequence of the REEP1 protein. It affects a nucleotide within the consensus splice site.

Literature cited by the submitters: PubMed 17576681; PubMed 9536098.

NM_001371279.1(REEP1):c.182+4A>G

Gene: REEP1 (receptor accessory protein 1; minus strand). Cytogenetic location: 2p11.2.
Variant type: single nucleotide variant.
Coding change: c.182+4A>G on transcript NM_001371279.1 (MANE Select); 4 bases into the intron after coding-DNA position 182, A replaced by G.
Molecular consequence: intron variant.
Genome position (GRCh38, 1-based): chr2:86,263,961, T>C on the plus strand (A>G on the coding strand, the complement: REEP1 is on the minus strand). VCF-style: chr2-86263961-T-C. GRCh37 (hg19) VCF-style: chr2-86491084-T-C.
Other names: c.203+4A>G (NM_001164730.2); c.101+4A>G (NM_001164731.2); c.182+4A>G (NM_001164732.2, NM_001371280.1, NM_022912.3 and 2 more transcripts).
Identifiers: ClinVar variation 2829402 (VCV002829402.3), dbSNP rs2468890231, ClinGen allele CA2739271135.